The following is an entry in ClinVar:

NM_001386298.1(CIC):c.2074T>A (p.Ser692Thr)

Gene: CIC (capicua transcriptional repressor; plus strand). Cytogenetic location: 19q13.2.
Variant type: single nucleotide variant.
Coding change: c.2074T>A on transcript NM_001386298.1 (MANE Select); coding-DNA position 2074, T replaced by A.
Protein change: p.Ser692Thr; replaces serine 692 with threonine.
Molecular consequence: missense variant.
Genome position (GRCh38, 1-based): chr19:42,273,857, T>A. VCF-style: chr19-42273857-T-A. GRCh37 (hg19) VCF-style: chr19-42778009-T-A.
Other names: c.2074T>A, p.Ser692Thr (NM_001304815.2, NM_001379480.1, NM_001379482.1 and 6 more transcripts); short protein forms S692T.
Identifiers: ClinVar variation 5002592 (VCV005002592.1).

ClinVar aggregate classification (germline): Uncertain significance (1 of 4 stars; one submission).

Conditions:
CIC-related disorder. Also called: CIC-related condition.

Submission:

PreventionGenetics, part of Exact Sciences
Classification: Uncertain significance for CIC-related condition. Last evaluated: 2025-05-18. Review status: criteria provided, single submitter. Criteria: ACMG Guidelines, 2015. Collection method: clinical testing. Allele origin: germline.
Comment: The CIC c.2074T>A variant is predicted to result in the amino acid substitution p.Ser692Thr. To our knowledge, this variant has not been reported in the literature or in a large population database (gnomAD), indicating this variant is rare. At this time, the clinical significance of this variant is uncertain due to the absence of conclusive functional and genetic evidence.